The following is an entry in ClinVar:

ClinVar aggregate classification (germline): Benign/Likely benign. Review status: criteria provided, multiple submitters, no conflicts (2 of 4 stars). 10 submissions from 10 submitters: Benign (6); Likely benign (4). Last evaluated 2026-03-01.

Conditions:
Primary ciliary dyskinesia. Also called: Ciliary dyskinesia. Identifiers: Orphanet 244, MedGen C0008780, MONDO:0016575, HP:0012265.
Primary ciliary dyskinesia 14. Also called: CILIARY DYSKINESIA, PRIMARY, 14, WITH OR WITHOUT SITUS INVERSUS. Identifiers: Orphanet 244, MedGen C3151136, MONDO:0013434, OMIM 613807.

Allele frequency attached by ClinVar (database versions not stated): gnomAD 0.00467 and 0.00435; ESP Exome Variant Server 0.00553; 1000 Genomes Project 0.00599; TOPMed 0.00364; 1000 Genomes Project 30x 0.00656; gnomAD exomes 0.00722; ExAC 0.01224.
gnomAD v4.1: 10,042 of 1,552,978 alleles (0.65%); highest among the groups gnomAD compares: South Asian, 1.8%; 60 homozygotes.

Submissions (10):

CeGaT Center for Human Genetics Tuebingen
Classification: Benign. Last evaluated: 2026-03-01. Review status: criteria provided, single submitter. Criteria: CeGaT Center For Human Genetics Tuebingen Variant Classification Criteria Version 2. Collection method: clinical testing. Allele origin: germline. Affected: yes. Observed: 9 variant alleles.
Comment: CCDC39: BP4, BS1, BS2

Labcorp Genetics (formerly Invitae), Labcorp
Classification: Benign for Primary ciliary dyskinesia. Last evaluated: 2026-02-03. Review status: criteria provided, single submitter. Criteria: Invitae Variant Classification Sherloc (09022015). Collection method: clinical testing. Allele origin: germline.

ARUP Laboratories, Molecular Genetics and Genomics, ARUP Laboratories
Classification: Likely benign for Primary ciliary dyskinesia 14. Last evaluated: 2025-06-12. Review status: criteria provided, single submitter. Criteria: ARUP Molecular Germline Variant Investigation Process 2024. Collection method: clinical testing. Allele origin: germline.

Blueprint Genetics
Classification: Likely benign. Last evaluated: 2024-11-21. Review status: criteria provided, single submitter. Criteria: ACMG Guidelines, 2015. Collection method: clinical testing. Allele origin: germline.

Mayo Clinic Laboratories, Mayo Clinic
Classification: Benign. Last evaluated: 2024-08-23. Review status: criteria provided, single submitter. Criteria: ACMG Guidelines, 2015. Collection method: clinical testing. Allele origin: germline. Observed: 2 variant alleles.
Comment: BS1, BS2, BP4

GeneDx
Classification: Benign. Last evaluated: 2020-11-06. Review status: criteria provided, single submitter. Criteria: GeneDx Variant Classification Process June 2021. Collection method: clinical testing. Allele origin: germline. Affected: yes.
Comment: This variant is associated with the following publications: (PMID: 31213628)

Illumina Laboratory Services, Illumina
Classification: Likely benign for Primary ciliary dyskinesia 14. Last evaluated: 2018-01-12. Review status: criteria provided, single submitter. Criteria: ICSL Variant Classification Criteria 13 December 2019. Collection method: clinical testing. Allele origin: germline.
Comment: This variant was observed in the ICSL laboratory as part of a predisposition screen in an ostensibly healthy population. It had not been previously curated by ICSL or reported in the Human Gene Mutation Database (HGMD: prior to June 1st, 2018), and was therefore a candidate for classification through an automated scoring system. Utilizing variant allele frequency, disease prevalence and penetrance estimates, and inheritance mode, an automated score was calculated to assess if this variant is too frequent to cause the disease. Based on the score and internal cut-off values, a variant classified as likely benign is not then subjected to further curation. The score for this variant resulted in a classification of likely benign for this disease.

Ambry Genetics
Classification: Benign for Primary ciliary dyskinesia. Last evaluated: 2016-07-19. Review status: criteria provided, single submitter. Criteria: Ambry Variant Classification Scheme 2023. Collection method: clinical testing. Allele origin: germline.

Breakthrough Genomics
Classification: Likely benign. Review status: criteria provided, single submitter. Criteria: ACMG Guidelines, 2015. Collection method: not provided. Allele origin: germline. Inheritance: Autosomal recessive inheritance. Affected: yes.

PreventionGenetics, part of Exact Sciences
Classification: Benign. Review status: criteria provided, single submitter. Criteria: ACMG Guidelines, 2015. Collection method: clinical testing. Allele origin: germline.

NM_181426.2(CCDC39):c.233G>A (p.Arg78His)

Gene: CCDC39 (coiled-coil domain 39 molecular ruler complex subunit; minus strand). Cytogenetic location: 3q26.33.
Variant type: single nucleotide variant.
Coding change: c.233G>A on transcript NM_181426.2 (MANE Select); coding-DNA position 233, G replaced by A.
Protein change: p.Arg78His; replaces arginine 78 with histidine.
Molecular consequence: missense variant.
Genome position (GRCh38, 1-based): chr3:180,661,985, C>T on the plus strand (G>A on the coding strand, the complement: CCDC39 is on the minus strand). VCF-style: chr3-180661985-C-T. GRCh37 (hg19) VCF-style: chr3-180379773-C-T.
Other names: p.Arg78His; short protein forms R78H.
Identifiers: ClinVar variation 221189 (VCV000221189.48), dbSNP rs115952495, ClinGen allele CA348717.